The following is an entry in ClinVar:

NM_001440.4(EXTL3):c.1367A>T (p.Glu456Val)

Gene: EXTL3 (exostosin like glycosyltransferase 3; plus strand). Cytogenetic location: 8p21.1.
Variant type: single nucleotide variant.
Coding change: c.1367A>T on transcript NM_001440.4 (MANE Select); coding-DNA position 1367, A replaced by T.
Protein change: p.Glu456Val; replaces glutamic acid 456 with valine.
Molecular consequence: missense variant.
Genome position (GRCh38, 1-based): chr8:28,717,426, A>T. VCF-style: chr8-28717426-A-T. GRCh37 (hg19) VCF-style: chr8-28574943-A-T.
Other names: short protein forms E456V.
Identifiers: ClinVar variation 1479015 (VCV001479015.6), dbSNP rs2130739897, ClinGen allele CA370859381.

ClinVar aggregate classification (germline): Uncertain significance (1 of 4 stars; one submission).

Submission:

Labcorp Genetics (formerly Invitae), Labcorp
Classification: Uncertain significance. Last evaluated: 2022-11-22. Review status: criteria provided, single submitter. Criteria: Invitae Variant Classification Sherloc (09022015). Collection method: clinical testing. Allele origin: germline.
Comment: In summary, the available evidence is currently insufficient to determine the role of this variant in disease. Therefore, it has been classified as a Variant of Uncertain Significance. Advanced modeling of protein sequence and biophysical properties (such as structural, functional, and spatial information, amino acid conservation, physicochemical variation, residue mobility, and thermodynamic stability) performed at Invitae indicates that this missense variant is not expected to disrupt EXTL3 protein function. ClinVar contains an entry for this variant (Variation ID: 1479015). This variant has not been reported in the literature in individuals affected with EXTL3-related conditions. This variant is not present in population databases (gnomAD no frequency). This sequence change replaces glutamic acid, which is acidic and polar, with valine, which is neutral and non-polar, at codon 456 of the EXTL3 protein (p.Glu456Val).